The following is an entry in ClinVar:

NC_000016.9:g.(?_3704691)_(3708097_?)del

Genes: DNASE1 (deoxyribonuclease 1; plus strand), TRAP1 (TNF receptor associated protein 1; minus strand). Cytogenetic location: 16p13.3.
Variant type: Deletion.
Identifiers: ClinVar variation 2691313 (VCV002691313.1).

ClinVar aggregate classification (germline): Uncertain significance (1 of 4 stars; one submission).

Submission:

Women's Health and Genetics/Laboratory Corporation of America, LabCorp
Classification: Uncertain significance. Last evaluated: 2023-12-18. Review status: criteria provided, single submitter. Criteria: LabCorp Variant Classification Summary - May 2015. Collection method: clinical testing. Allele origin: germline.
Comment: Variant summary: The variant involves the deletion of exons 1-9 in the DNASE1 gene. A presumed nomenclature of c.(?_-356)_(*143_?)del has been designated for the purposes of this classification. This deletion includes the entire coding sequence of the gene. As the exact proximal and distal breakpoints are unknown, it may extend beyond the annotated region of the gene to include other flanking genes. This deletion variant allele was found at a frequency of 0.00064 in 125186 control chromosomes (i.e. in 80 carriers) in the gnomAD database (Structural Variants v4.0 dataset). To our knowledge, no occurrence of c.(?_-356)_(*143_?)del in individuals affected with Systemic Lupus Erythematosus have been reported. No submitters have cited clinical-significance assessments for this variant to ClinVar after 2014. Based on the evidence outlined above, the variant was classified as uncertain significance.